The following is an entry in ClinVar:

ClinVar aggregate classification (germline): Uncertain significance (1 of 4 stars; one submission).

Conditions:
Hereditary cancer-predisposing syndrome. Also called: Neoplastic Syndromes, Hereditary; Tumor predisposition; Hereditary Cancer Syndrome; Hereditary neoplastic syndrome. Identifiers: Orphanet 140162, MedGen C0027672, MeSH D009386, MONDO:0015356.

Submission:

Ambry Genetics
Classification: Uncertain significance for Hereditary cancer-predisposing syndrome. Last evaluated: 2025-12-09. Review status: criteria provided, single submitter. Criteria: Ambry Variant Classification Scheme 2023. Collection method: clinical testing. Allele origin: germline.
Comment: The p.C503G variant (also known as c.1507T>G), located in coding exon 11 of the BMPR1A gene, results from a T to G substitution at nucleotide position 1507. The cysteine at codon 503 is replaced by glycine, an amino acid with highly dissimilar properties. This amino acid position is highly conserved in available vertebrate species. In addition, this alteration is predicted to be deleterious by in silico analysis. Based on the available evidence, the clinical significance of this variant remains unclear.

NM_004329.3(BMPR1A):c.1507T>G (p.Cys503Gly)

Gene: BMPR1A (bone morphogenetic protein receptor type 1A; plus strand). Cytogenetic location: 10q23.2.
Variant type: single nucleotide variant.
Coding change: c.1507T>G on transcript NM_004329.3 (MANE Select); coding-DNA position 1507, T replaced by G.
Protein change: p.Cys503Gly; replaces cysteine 503 with glycine.
Molecular consequence: missense variant. On other transcripts: non-coding transcript variant (3).
Genome position (GRCh38, 1-based): chr10:86,923,627, T>G. VCF-style: chr10-86923627-T-G. GRCh37 (hg19) VCF-style: chr10-88683384-T-G.
Other names: c.1582T>G, p.Cys528Gly (NM_001406559.1); c.1555T>G, p.Cys519Gly (NM_001406560.1); c.1507T>G, p.Cys503Gly (NM_001406561.1, NM_001406562.1, NM_001406563.1 and 19 more transcripts); c.1501T>G, p.Cys501Gly (NM_001406583.1); c.1423T>G, p.Cys475Gly (NM_001406584.1, NM_001406585.1, NM_001406586.1 and 2 more transcripts); c.1165T>G, p.Cys389Gly (NM_001406589.1); short protein forms C501G, C475G, C519G, C389G, C503G, C528G.
Identifiers: ClinVar variation 4623066 (VCV004623066.1).
Genomic context (GRCh38, chr10:86,923,627, plus strand): 5'-CTCACTGAACATCTCTTTACTTTTCAGTGTCTACGAGCAGTTTTGAAGCTAATGTCAGAA[T>G]GCTGGGCCCACAATCCAGCCTCCAGACTCACAGCATTGAGAATTAAGAAGACGCTTGCCA-3'
Protein context (NP_004320.2, residues 493-513): LRAVLKLMSE[Cys503Gly]WAHNPASRLT